The following is an entry in ClinVar:

NM_001244008.2(KIF1A):c.4951G>A (p.Ala1651Thr)

Gene: KIF1A (kinesin family member 1A; minus strand). Cytogenetic location: 2q37.3.
Variant type: single nucleotide variant.
Coding change: c.4951G>A on transcript NM_001244008.2 (MANE Select); coding-DNA position 4951, G replaced by A.
Protein change: p.Ala1651Thr; replaces alanine 1651 with threonine.
Molecular consequence: missense variant.
Genome position (GRCh38, 1-based): chr2:240,719,844, C>T on the plus strand (G>A on the coding strand, the complement: KIF1A is on the minus strand). VCF-style: chr2-240719844-C-T. GRCh37 (hg19) VCF-style: chr2-241659261-C-T.
Other names: c.4675G>A, p.Ala1559Thr (NM_001320705.2, NM_001379649.1); c.4702G>A, p.Ala1568Thr (NM_001330289.2); c.4750G>A, p.Ala1584Thr (NM_001330290.2, NM_001379648.1); c.5026G>A, p.Ala1676Thr (NM_001379631.1); c.4927G>A, p.Ala1643Thr (NM_001379632.1); c.4924G>A, p.Ala1642Thr (NM_001379633.1, NM_001379645.1); c.4777G>A, p.Ala1593Thr (NM_001379634.1); c.4774G>A, p.Ala1592Thr (NM_001379635.1, NM_001379646.1); and 7 more; short protein forms A1559T, A1568T, A1584T, A1588T, A1593T, A1643T, A1567T, A1550T.
Identifiers: ClinVar variation 1400951 (VCV001400951.6), dbSNP rs112808596, ClinGen allele CA351300506.

ClinVar aggregate classification (germline): Uncertain significance (1 of 4 stars; one submission).

Conditions:
Hereditary spastic paraplegia 30. Identifiers: Orphanet 101010, MedGen C5235139, MONDO:0012476.
Neuropathy, hereditary sensory, type 2C. Also called: Hereditary sensory and autonomic neuropathy type IIC; KIF1A-Related HSAN2 (HSAN2C). Identifiers: Orphanet 970, MedGen C3280168, MONDO:0013634, OMIM 614213.
Intellectual disability, autosomal dominant 9 (NESCAVS). Also called: NESCAV SYNDROME; KIF1A-Related Neurodevelopmental Disorder. Identifiers: Orphanet 662367, MedGen C5393830, MONDO:0013656, OMIM 614255.

gnomAD v4.1: 1 of 1,611,720 alleles (0.000062%); no homozygotes.

Submission:

Labcorp Genetics (formerly Invitae), Labcorp
Classification: Uncertain significance for Hereditary spastic paraplegia 30; Neuropathy, hereditary sensory, type 2C; Intellectual disability, autosomal dominant 9. Last evaluated: 2023-11-24. Review status: criteria provided, single submitter. Criteria: Invitae Variant Classification Sherloc (09022015). Collection method: clinical testing. Allele origin: germline.
Comment: This sequence change replaces alanine, which is neutral and non-polar, with threonine, which is neutral and polar, at codon 1550 of the KIF1A protein (p.Ala1550Thr). This variant is not present in population databases (gnomAD no frequency). This variant has not been reported in the literature in individuals affected with KIF1A-related conditions. ClinVar contains an entry for this variant (Variation ID: 1400951). Advanced modeling of protein sequence and biophysical properties (such as structural, functional, and spatial information, amino acid conservation, physicochemical variation, residue mobility, and thermodynamic stability) performed at Invitae indicates that this missense variant is not expected to disrupt KIF1A protein function with a negative predictive value of 95%. In summary, the available evidence is currently insufficient to determine the role of this variant in disease. Therefore, it has been classified as a Variant of Uncertain Significance.